The following is an entry in ClinVar:

NM_003611.3(OFD1):c.2489-2A>C

Gene: OFD1 (OFD1 centriole and centriolar satellite protein; plus strand). Cytogenetic location: Xp22.2.
Variant type: single nucleotide variant.
Coding change: c.2489-2A>C on transcript NM_003611.3 (MANE Select); the canonical splice acceptor site of the intron before coding-DNA position 2489, A replaced by C.
Molecular consequence: splice acceptor variant.
Genome position (GRCh38, 1-based): chrX:13,763,743, A>C. VCF-style: chrX-13763743-A-C. GRCh37 (hg19) VCF-style: chrX-13781862-A-C.
Other names: c.2069-2A>C (NM_001330210.2); c.2369-2A>C (NM_001330209.2); c.2489-2A>C (NM_003611.2).
Identifiers: ClinVar variation 3763898 (VCV003763898.5).

ClinVar aggregate classification (germline): Conflicting classifications of pathogenicity. Review status: criteria provided, conflicting classifications (1 of 4 stars). 3 submissions from 3 submitters: Likely pathogenic (1); Uncertain significance (2). Last evaluated 2025-11-08.

Conditions:
OFD1-related disorder. Also called: OFD1-related condition.
Joubert syndrome. Also called: Familial aplasia of the vermis; JOUBERT-BOLTSHAUSER SYNDROME. Identifiers: Orphanet 475, MedGen C5979921, MONDO:0018772.
Orofaciodigital syndrome I (OFD1). Also called: Papillon-Leage and Psaume Syndrome; OFDS I; Oral-Facial-Digital Syndrome Type I. Identifiers: Orphanet 2750, MedGen C1510460, MONDO:0010702, OMIM 311200.

gnomAD v4.1: 4 of 1,202,740 alleles (0.00033%); highest among the groups gnomAD compares: African/African-American, 0.0017%; no homozygotes.

Submissions (4):

PreventionGenetics, part of Exact Sciences
Classification: Uncertain significance for OFD1-related condition. Last evaluated: 2025-11-08. Review status: criteria provided, single submitter. Criteria: ACMG Guidelines, 2015. Collection method: clinical testing. Allele origin: germline.
Comment: The OFD1 c.2489-2A>C variant is predicted to disrupt the AG splice acceptor site and interfere with normal splicing. To our knowledge, this variant has not been reported in individuals with OFD1-related disease or in a large population database (gnomAD), indicating this variant is rare. This variant abolishes the canonical AG acceptor site in the exon, but an alternate acceptor splice site is present 6 nucleotides downstream, that if utilized, is predicted to result in a small in frame deletion. Although we suspect that this variant may be pathogenic, at this time, the clinical significance of this variant is uncertain due to the absence of conclusive functional and genetic evidence.

Revvity Omics, Revvity
Classification: Uncertain significance. Last evaluated: 2024-10-07. Review status: criteria provided, single submitter. Criteria: ACMG Guidelines, 2015. Collection method: clinical testing. Allele origin: germline.

Labcorp Genetics (formerly Invitae), Labcorp
Classification: Likely pathogenic for Orofaciodigital syndrome I; Joubert syndrome. Last evaluated: 2024-07-22. Review status: criteria provided, single submitter. Criteria: Invitae Variant Classification Sherloc (09022015). Collection method: clinical testing. Allele origin: germline.
Comment: This sequence change affects an acceptor splice site in intron 18 of the OFD1 gene. It is expected to disrupt RNA splicing. Variants that disrupt the donor or acceptor splice site typically lead to a loss of protein function (PMID: 16199547), and loss-of-function variants in OFD1 are known to be pathogenic (PMID: 16783569, 18546297, 27081566). This variant is not present in population databases (gnomAD no frequency). This variant has not been reported in the literature in individuals affected with OFD1-related conditions. Algorithms developed to predict the effect of sequence changes on RNA splicing suggest that this variant may disrupt the consensus splice site. In summary, the currently available evidence indicates that the variant is pathogenic, but additional data are needed to prove that conclusively. Therefore, this variant has been classified as Likely Pathogenic.

Dr. Peter K. Rogan Lab, Western University
No classification provided (evidence only). Condition: Thyroid cancer, nonmedullary, 1. Review status: no classification provided. Collection method: in vitro. Allele origin: not applicable. Functional consequence: retained intron. Not counted in ClinVar's aggregate classification.

Literature cited by the submitters: PubMed 16199547 (cited by Labcorp Genetics (formerly Invitae), Labcorp); PubMed 16783569 (cited by Labcorp Genetics (formerly Invitae), Labcorp); PubMed 18546297 (cited by Labcorp Genetics (formerly Invitae), Labcorp); PubMed 27081566 (cited by Labcorp Genetics (formerly Invitae), Labcorp).